The following is an entry in ClinVar:

NC_000023.10:g.(?_18660114)_(19377781_?)del

Genes: PPEF1 (protein phosphatase with EF-hand domain 1; plus strand), CDKL5 (cyclin dependent kinase like 5; plus strand), RS1 (retinoschisin 1; minus strand), PDHA1 (pyruvate dehydrogenase E1 subunit alpha 1; plus strand), PHKA2 (phosphorylase kinase regulatory subunit alpha 2; minus strand) and 1 more. Cytogenetic location: Xp22.13-22.12.
Variant type: Deletion.
Identifiers: ClinVar variation 833472 (VCV000833472.2).

ClinVar aggregate classification (germline): Pathogenic. Review status: criteria provided, single submitter (1 of 4 stars). 2 submissions from 1 submitter: Pathogenic (1). 1 of the submissions does not count toward it. Last evaluated 2020-10-09.

Conditions:
Pyruvate dehydrogenase E1-alpha deficiency (PDHAD). Also called: ATAXIA, INTERMITTENT, WITH PYRUVATE DEHYDROGENASE DEFICIENCY; ATAXIA WITH LACTIC ACIDOSIS I; ATAXIA, INTERMITTENT, WITH ABNORMAL PYRUVATE METABOLISM; Ataxia, intermittent, with pyruvate dehydrogenase, or decarboxylase, deficiency. Identifiers: Orphanet 79243, MedGen C1839413, MONDO:0010717, OMIM 312170.

Submissions (2):

Labcorp Genetics (formerly Invitae), Labcorp
Classification: Pathogenic. Last evaluated: 2020-10-09. Review status: criteria provided, single submitter. Criteria: Invitae Variant Classification Sherloc (09022015). Collection method: clinical testing. Allele origin: germline.
Comment: A gross deletion of the genomic region encompassing the full coding sequence of the RS1 gene has been identified. The boundaries of this event are unknown as the deletion extends beyond the assayed region for this gene and therefore may encompass additional genes. This variant has not been reported in the literature in individuals with RS1-related conditions. Loss-of-function variants in RS1 are known to be pathogenic (PMID: 9618178, 17172462). For these reasons, this variant has been classified as Pathogenic.

Labcorp Genetics (formerly Invitae), Labcorp
Classification: Pathogenic for Pyruvate dehydrogenase E1-alpha deficiency. Last evaluated: 2019-06-11. Review status: flagged submission. Criteria: Invitae Variant Classification Sherloc (09022015). Collection method: clinical testing. Allele origin: germline. Not counted in ClinVar's aggregate classification.
Comment: A gross deletion of the genomic region encompassing the full coding sequence of the PDHA1 gene has been identified. The boundaries of this event are unknown as the deletion extends beyond the assayed region for this gene and therefore may encompass additional genes. Isolated whole-gene deletions of PDHA1 have not been reported in the literature. However, larger copy number events that include this gene have been reported in the literature (PMID: 21914562, 20591708, 22473288). Loss-of-function variants in PDHA1 are known to be pathogenic (PMID: 10679936, 21914562). For these reasons, this variant has been classified as Pathogenic.
ClinVar note: Reason: This record appears to be redundant with a more recent record from the same submitter.
ClinVar note: Notes: SCV001197220 appears to be redundant with SCV001592970.

Literature cited by the submitters: PubMed 9618178; PubMed 17172462; PubMed 21914562; PubMed 22473288; PubMed 20591708.